The following is an entry in ClinVar:

NM_018975.4(TERF2IP):c.242C>T (p.Thr81Met)

Gene: TERF2IP (TERF2 interacting protein; plus strand). Cytogenetic location: 16q23.1.
Variant type: single nucleotide variant.
Coding change: c.242C>T on transcript NM_018975.4 (MANE Select); coding-DNA position 242, C replaced by T.
Protein change: p.Thr81Met; replaces threonine 81 with methionine.
Molecular consequence: missense variant. On other transcripts: non-coding transcript variant (1).
Genome position (GRCh38, 1-based): chr16:75,648,124, C>T. VCF-style: chr16-75648124-C-T. GRCh37 (hg19) VCF-style: chr16-75682022-C-T.
Other names: short protein forms T81M.
Identifiers: ClinVar variation 1791144 (VCV001791144.2), dbSNP rs2507073150, ClinGen allele CA396817511.
Genomic context (GRCh38, chr16:75,648,124, plus strand): 5'-CCGTGCTGCTGGCCCAGCCCGGGGAGGCGCTGGCCGAGGCCTCGGGTGATTTCATCTCCA[C>T]GCAGTACATCCTGGACTGCGTGGAGCGCAACGAGAGGCTGGAGCTGGAGGCCTATCGGCT-3'
Protein context (NP_061848.2, residues 71-91): LAEASGDFIS[Thr81Met]QYILDCVERN

ClinVar aggregate classification (germline): Uncertain significance (1 of 4 stars; one submission).

Submission:

Ambry Genetics
Classification: Uncertain significance. Last evaluated: 2022-01-05. Review status: criteria provided, single submitter. Criteria: Ambry Variant Classification Scheme 2023. Collection method: clinical testing. Allele origin: germline.
Comment: The p.T81M variant (also known as c.242C>T), located in coding exon 1 of the TERF2IP gene, results from a C to T substitution at nucleotide position 242. The threonine at codon 81 is replaced by methionine, an amino acid with similar properties. This amino acid position is conserved. In addition, the in silico prediction for this alteration is inconclusive. Since supporting evidence is limited at this time, the clinical significance of this alteration remains unclear.